The following is an entry in ClinVar:

NM_007289.4(MME):c.2243G>A (p.Arg748Gln)

Gene: MME (membrane metalloendopeptidase; plus strand). Cytogenetic location: 3q25.2.
Variant type: single nucleotide variant.
Coding change: c.2243G>A on transcript NM_007289.4 (MANE Select); coding-DNA position 2243, G replaced by A.
Protein change: p.Arg748Gln; replaces arginine 748 with glutamine.
Molecular consequence: missense variant.
Genome position (GRCh38, 1-based): chr3:155,180,449, G>A. VCF-style: chr3-155180449-G-A. GRCh37 (hg19) VCF-style: chr3-154898238-G-A.
Other names: c.2243G>A, p.Arg748Gln (NM_000902.5, NM_001354642.2, NM_001354643.1 and 2 more transcripts); c.2243G>A (NM_007289.2); short protein forms R748Q.
Identifiers: ClinVar variation 2065914 (VCV002065914.6), dbSNP rs200966070, ClinGen allele CA2675797.

ClinVar aggregate classification (germline): Uncertain significance. Review status: criteria provided, multiple submitters, no conflicts (2 of 4 stars). 4 submissions from 4 submitters: Uncertain significance (4). Last evaluated 2026-03-06.

Conditions:
Inborn genetic diseases. Identifiers: MedGen C0950123, MeSH D030342.
Charcot-Marie-Tooth disease axonal type 2T. Identifiers: Orphanet 443950, MedGen C4015635, OMIM 617017, MONDO:0014866.

Allele frequency attached by ClinVar (database versions not stated): ExAC 0.00004; TOPMed 0.00007; gnomAD 0.00008.
gnomAD v4.1: 62 of 1,612,746 alleles (0.0038%); highest among the groups gnomAD compares: Middle Eastern, 0.016%; no homozygotes.

Submissions (4):

MVZ Medizinische Genetik Mainz
Classification: Uncertain significance for Charcot-Marie-Tooth disease axonal type 2T. Last evaluated: 2026-03-06. Review status: criteria provided, single submitter. Criteria: UK Practice Guidelines For Variant Classification V4 01 2020. Collection method: clinical testing. Allele origin: germline. Inheritance: Autosomal dominant inheritance. Affected: yes. Observed: 1 variant allele.
Comment: ACMG Criteria: PM2_SUP,PM5_SUP,PP3

Labcorp Genetics (formerly Invitae), Labcorp
Classification: Uncertain significance. Last evaluated: 2026-02-02. Review status: criteria provided, single submitter. Criteria: Invitae Variant Classification Sherloc (09022015). Collection method: clinical testing. Allele origin: germline.
Comment: This sequence change replaces arginine, which is basic and polar, with glutamine, which is neutral and polar, at codon 748 of the MME protein (p.Arg748Gln). This variant is present in population databases (rs200966070, gnomAD 0.01%). This variant has not been reported in the literature in individuals affected with MME-related conditions. ClinVar contains an entry for this variant (Variation ID: 2065914). Invitae Evidence Modeling of protein sequence and biophysical properties (such as structural, functional, and spatial information, amino acid conservation, physicochemical variation, residue mobility, and thermodynamic stability) indicates that this missense variant is not expected to disrupt MME protein function with a negative predictive value of 80%. Algorithms developed to predict the effect of sequence changes on RNA splicing suggest that this variant may create or strengthen a splice site. In summary, the available evidence is currently insufficient to determine the role of this variant in disease. Therefore, it has been classified as a Variant of Uncertain Significance.

GeneDx
Classification: Uncertain significance. Last evaluated: 2023-12-13. Review status: criteria provided, single submitter. Criteria: GeneDx Variant Classification Process June 2021. Collection method: clinical testing. Allele origin: germline. Affected: yes.
Comment: In silico analysis supports that this missense variant does not alter protein structure/function; Has not been previously published as pathogenic or benign to our knowledge

Ambry Genetics
Classification: Uncertain significance for Inborn genetic diseases. Last evaluated: 2023-02-07. Review status: criteria provided, single submitter. Criteria: Ambry Variant Classification Scheme 2023. Collection method: clinical testing. Allele origin: germline.